The following is an entry in ClinVar:

NM_001122769.3(LCA5):c.30dup (p.Asp11Ter)

Gene: LCA5 (lebercilin LCA5; minus strand). Cytogenetic location: 6q14.1.
Variant type: Duplication.
Coding change: c.30dup on transcript NM_001122769.3 (MANE Select); coding-DNA position 30, one base duplicated (T; older notation c.30dupT).
Protein change: p.Asp11Ter; replaces aspartic acid 11 with a stop codon.
Molecular consequence: nonsense.
Genome position (GRCh38, 1-based): chr6:79,518,865, A duplicated on the plus strand (T on the coding strand, the reverse complement: LCA5 is on the minus strand). VCF-style (leftmost placement, unchanged base first): chr6-79518864-C-CA. GRCh37 (hg19) VCF-style: chr6-80228581-C-CA.
Other names: c.30dup, p.Asp11Ter (NM_181714.4); short protein forms D11*.
Identifiers: ClinVar variation 855636 (VCV000855636.9), dbSNP rs1248460033, ClinGen allele CA828512398.
Genomic context (GRCh38, chr6:79,518,864, plus strand): 5'-GTGGCGTTTCAAAATCAGATAAGTAAGAATAATGGTGTTTGCCTGCCTTTCTTTCTTGAT[C>CA]AGTACCTGGACTTCCTGCTCTTTCCCCCATTGTTTTGAAAAATGGTCTCTATTCACATAA-3'

ClinVar aggregate classification (germline): Pathogenic (1 of 4 stars; one submission).

Allele frequency attached by ClinVar (database versions not stated): TOPMed below 0.00001.

Submission:

Labcorp Genetics (formerly Invitae), Labcorp
Classification: Pathogenic. Last evaluated: 2019-01-28. Review status: criteria provided, single submitter. Criteria: Invitae Variant Classification Sherloc (09022015). Collection method: clinical testing. Allele origin: germline.
Comment: Loss-of-function variants in LCA5 are known to be pathogenic (PMID: 17546029, 23946133). This variant has not been reported in the literature in individuals with LCA5-related conditions. This variant is not present in population databases (ExAC no frequency). This sequence change creates a premature translational stop signal (p.Asp11*) in the LCA5 gene. It is expected to result in an absent or disrupted protein product. For these reasons, this variant has been classified as Pathogenic.

Literature cited by the submitters: PubMed 17546029; PubMed 23946133.